The following is an entry in ClinVar:

NM_152384.3(BBS5):c.203A>G (p.Asn68Ser)

Gene: BBS5 (Bardet-Biedl syndrome 5; plus strand). Cytogenetic location: 2q31.1.
Variant type: single nucleotide variant.
Coding change: c.203A>G on transcript NM_152384.3 (MANE Select); coding-DNA position 203, A replaced by G.
Protein change: p.Asn68Ser; replaces asparagine 68 with serine.
Molecular consequence: missense variant.
Genome position (GRCh38, 1-based): chr2:169,487,129, A>G. VCF-style: chr2-169487129-A-G. GRCh37 (hg19) VCF-style: chr2-170343639-A-G.
Other names: short protein forms N68S.
Identifiers: ClinVar variation 412294 (VCV000412294.12), dbSNP rs754978707, ClinGen allele CA1956142.

ClinVar aggregate classification (germline): Uncertain significance. Review status: criteria provided, multiple submitters, no conflicts (2 of 4 stars). 4 submissions from 4 submitters: Uncertain significance (4). Last evaluated 2026-07-28.

Conditions:
BBS5-related disorder. Also called: BBS5-related condition.
Bardet-Biedl syndrome (BBS). Identifiers: Orphanet 110, MedGen C0752166, MONDO:0015229.
Bardet-Biedl syndrome 5 (BBS5). Identifiers: Orphanet 110, MedGen C3892039, MONDO:0014434, OMIM 615983.

Allele frequency attached by ClinVar (database versions not stated): gnomAD 0.00001; gnomAD exomes 0.00002 and 0.00005; TOPMed 0.00003; ExAC 0.00005.
gnomAD v4.1: 35 of 1,607,124 alleles (0.0022%); highest among the groups gnomAD compares: Admixed American, 0.017%; no homozygotes.

Submissions (4):

PreventionGenetics, part of Exact Sciences
Classification: Uncertain significance for BBS5-related condition. Last evaluated: 2026-07-28. Review status: criteria provided, single submitter. Criteria: ACMG Guidelines, 2015. Collection method: clinical testing. Allele origin: germline.
Comment: The BBS5 c.203A>G variant is predicted to result in the amino acid substitution p.Asn68Ser. To our knowledge, this variant has not been reported in the literature. This variant is reported in 0.023% of alleles in individuals of Latino descent in gnomAD. At this time, the clinical significance of this variant is uncertain due to the absence of conclusive functional and genetic evidence.

Labcorp Genetics (formerly Invitae), Labcorp
Classification: Uncertain significance for Bardet-Biedl syndrome. Last evaluated: 2022-08-16. Review status: criteria provided, single submitter. Criteria: Invitae Variant Classification Sherloc (09022015). Collection method: clinical testing. Allele origin: germline.
Comment: This sequence change replaces asparagine, which is neutral and polar, with serine, which is neutral and polar, at codon 68 of the BBS5 protein (p.Asn68Ser). This variant is present in population databases (rs754978707, gnomAD 0.02%). This variant has not been reported in the literature in individuals affected with BBS5-related conditions. ClinVar contains an entry for this variant (Variation ID: 412294). Algorithms developed to predict the effect of missense changes on protein structure and function (SIFT, PolyPhen-2, Align-GVGD) all suggest that this variant is likely to be disruptive. Algorithms developed to predict the effect of sequence changes on RNA splicing suggest that this variant may disrupt the consensus splice site. In summary, the available evidence is currently insufficient to determine the role of this variant in disease. Therefore, it has been classified as a Variant of Uncertain Significance.

Blueprint Genetics
Classification: Uncertain significance. Last evaluated: 2022-07-12. Review status: criteria provided, single submitter. Criteria: ACMG Guidelines, 2015. Collection method: clinical testing. Allele origin: germline.

Fulgent Genetics
Classification: Uncertain significance for Bardet-Biedl syndrome 5. Last evaluated: 2022-02-23. Review status: criteria provided, single submitter. Criteria: ACMG Guidelines, 2015. Collection method: clinical testing. Allele origin: unknown.